The following is an entry in ClinVar:

ClinVar aggregate classification (germline): Uncertain significance (1 of 4 stars; one submission).

Conditions:
Autoimmune lymphoproliferative syndrome type 2A (ALPS2A). Also called: AUTOIMMUNE LYMPHOPROLIFERATIVE SYNDROME, TYPE IIA; CASP10-Related Autoimmune Lymphoproliferative Syndrome; Autoimmune lymphoproliferative syndrome type 2. Identifiers: Orphanet 3261, MedGen C1858968, MONDO:0011383, OMIM 603909.

Allele frequency attached by ClinVar (database versions not stated): gnomAD 0.00001; TOPMed 0.00001; ExAC 0.00002; gnomAD exomes 0.00005.
gnomAD v4.1: 14 of 1,613,970 alleles (0.00087%); highest among the groups gnomAD compares: Admixed American, 0.023%; no homozygotes.

Submission:

Labcorp Genetics (formerly Invitae), Labcorp
Classification: Uncertain significance for Autoimmune lymphoproliferative syndrome type 2A. Last evaluated: 2025-11-05. Review status: criteria provided, single submitter. Criteria: Invitae Variant Classification Sherloc (09022015). Collection method: clinical testing. Allele origin: germline.
Comment: This sequence change replaces isoleucine, which is neutral and non-polar, with phenylalanine, which is neutral and non-polar, at codon 430 of the CASP10 protein (p.Ile430Phe). This variant is present in population databases (rs762718326, gnomAD 0.04%). This variant has not been reported in the literature in individuals affected with CASP10-related conditions. ClinVar contains an entry for this variant (Variation ID: 860550). Invitae Evidence Modeling of protein sequence and biophysical properties (such as structural, functional, and spatial information, amino acid conservation, physicochemical variation, residue mobility, and thermodynamic stability) indicates that this missense variant is not expected to disrupt CASP10 protein function with a negative predictive value of 80%. In summary, the available evidence is currently insufficient to determine the role of this variant in disease. Therefore, it has been classified as a Variant of Uncertain Significance.

NM_032977.4(CASP10):c.1288A>T (p.Ile430Phe)

Gene: CASP10 (caspase 10; plus strand). Cytogenetic location: 2q33.1.
Variant type: single nucleotide variant.
Coding change: c.1288A>T on transcript NM_032977.4 (MANE Select); coding-DNA position 1288, A replaced by T.
Protein change: p.Ile430Phe; replaces isoleucine 430 with phenylalanine.
Molecular consequence: missense variant. On other transcripts: 3 prime UTR variant (1).
Genome position (GRCh38, 1-based): chr2:201,209,435, A>T. VCF-style: chr2-201209435-A-T. GRCh37 (hg19) VCF-style: chr2-202074158-A-T.
Other names: c.1087A>T, p.Ile363Phe (NM_001206524.2); c.1159A>T, p.Ile387Phe (NM_001206542.2, NM_001230.5); c.1288A>T, p.Ile430Phe (NM_032974.5); c.*374A>T (NM_032976.4); short protein forms I363F, I387F, I430F.
Identifiers: ClinVar variation 860550 (VCV000860550.12), dbSNP rs762718326, ClinGen allele CA2053214.